The following is an entry in ClinVar:

NM_005562.3(LAMC2):c.3242C>T (p.Ala1081Val)

Gene: LAMC2 (laminin subunit gamma 2; plus strand). Cytogenetic location: 1q25.3.
Variant type: single nucleotide variant.
Coding change: c.3242C>T on transcript NM_005562.3 (MANE Select); coding-DNA position 3242, C replaced by T.
Protein change: p.Ala1081Val; replaces alanine 1081 with valine.
Molecular consequence: missense variant.
Genome position (GRCh38, 1-based): chr1:183,240,305, C>T. VCF-style: chr1-183240305-C-T. GRCh37 (hg19) VCF-style: chr1-183209440-C-T.
Other names: c.3242C>T, p.Ala1081Val (NM_018891.3); short protein forms A1081V.
Identifiers: ClinVar variation 3907032 (VCV003907032.1).

ClinVar aggregate classification (germline): Uncertain significance (1 of 4 stars; one submission).

Submission:

Women's Health and Genetics/Laboratory Corporation of America, LabCorp
Classification: Uncertain significance. Last evaluated: 2025-06-18. Review status: criteria provided, single submitter. Criteria: LabCorp Variant Classification Summary - May 2015. Collection method: clinical testing. Allele origin: germline.
Comment: Variant summary: LAMC2 c.3242C>T (p.Ala1081Val) results in a non-conservative amino acid change in the encoded protein sequence. Algorithms developed to predict the effect of missense changes on protein structure and function are either unavailable or do not agree on the potential impact of this missense change. The variant was absent in 251422 control chromosomes (gnomAD). The available data on variant occurrences in the general population are insufficient to allow any conclusion about variant significance. c.3242C>T has been observed in an individuals affected with Junctional Epidermolysis Bullosa (Chen_2023). These data do not allow any conclusion about variant significance. To our knowledge, no experimental evidence demonstrating an impact on protein function has been reported. The following publication has been ascertained in the context of this evaluation (PMID: 36287101). No submitters have cited clinical-significance assessments for this variant to ClinVar. Based on the evidence outlined above, the variant was classified as uncertain significance.

Literature cited by the submitters: PubMed 36287101.